The following is an entry in ClinVar:

NM_000051.4(ATM):c.2876A>C (p.Tyr959Ser)

Gene: ATM (ATM serine/threonine kinase; plus strand). Cytogenetic location: 11q22.3.
Variant type: single nucleotide variant.
Coding change: c.2876A>C on transcript NM_000051.4 (MANE Select); coding-DNA position 2876, A replaced by C.
Protein change: p.Tyr959Ser; replaces tyrosine 959 with serine.
Molecular consequence: missense variant.
Genome position (GRCh38, 1-based): chr11:108,271,101, A>C. VCF-style: chr11-108271101-A-C. GRCh37 (hg19) VCF-style: chr11-108141828-A-C.
Other names: c.2876A>C, p.Tyr959Ser (NM_001351834.2); short protein forms Y959S.
Identifiers: ClinVar variation 653822 (VCV000653822.6), dbSNP rs1591602381, ClinGen allele CA382546826.

ClinVar aggregate classification (germline): Uncertain significance (1 of 4 stars; one submission).

Conditions:
Ataxia-telangiectasia syndrome (AT). Also called: ATAXIA-TELANGIECTASIA, FRESNO VARIANT; Ataxia-telangiectasia, complementation group D; Cerebello-oculocutaneous telangiectasia; Immunodeficiency with ataxia telangiectasia; Ataxia-telangiectasia; Ataxia telangiectasia (A-T). Identifiers: Orphanet 100, MedGen C0004135, MONDO:0008840, OMIM 208900.

Submission:

Labcorp Genetics (formerly Invitae), Labcorp
Classification: Uncertain significance for Ataxia-telangiectasia syndrome. Last evaluated: 2021-08-31. Review status: criteria provided, single submitter. Criteria: Invitae Variant Classification Sherloc (09022015). Collection method: clinical testing. Allele origin: germline.
Comment: This sequence change replaces tyrosine with serine at codon 959 of the ATM protein (p.Tyr959Ser). The tyrosine residue is weakly conserved and there is a large physicochemical difference between tyrosine and serine. This variant is not present in population databases (ExAC no frequency). This variant has not been reported in the literature in individuals affected with ATM-related conditions. Algorithms developed to predict the effect of missense changes on protein structure and function (SIFT, PolyPhen-2, Align-GVGD) all suggest that this variant is likely to be tolerated. In summary, the available evidence is currently insufficient to determine the role of this variant in disease. Therefore, it has been classified as a Variant of Uncertain Significance.